The following is an entry in ClinVar:

NM_000051.4(ATM):c.5000T>C (p.Val1667Ala)

Gene: ATM (ATM serine/threonine kinase; plus strand). Cytogenetic location: 11q22.3.
Variant type: single nucleotide variant.
Coding change: c.5000T>C on transcript NM_000051.4 (MANE Select); coding-DNA position 5000, T replaced by C.
Protein change: p.Val1667Ala; replaces valine 1667 with alanine.
Molecular consequence: missense variant.
Genome position (GRCh38, 1-based): chr11:108,297,377, T>C. VCF-style: chr11-108297377-T-C. GRCh37 (hg19) VCF-style: chr11-108168104-T-C.
Other names: c.5000T>C, p.Val1667Ala (NM_001351834.2); short protein forms V1667A.
Identifiers: ClinVar variation 2115810 (VCV002115810.4), dbSNP rs2135864002, ClinGen allele CA382538580.

ClinVar aggregate classification (germline): Uncertain significance (1 of 4 stars; one submission).

Conditions:
Ataxia-telangiectasia syndrome (AT). Also called: Ataxia-telangiectasia; AT, COMPLEMENTATION GROUP C; ATAXIA-TELANGIECTASIA, COMPLEMENTATION GROUP A; ATAXIA-TELANGIECTASIA, FRESNO VARIANT; Ataxia-telangiectasia, complementation group E; LOUIS-BAR SYNDROME. Identifiers: Orphanet 100, MedGen C0004135, MONDO:0008840, OMIM 208900.

Submission:

Labcorp Genetics (formerly Invitae), Labcorp
Classification: Uncertain significance for Ataxia-telangiectasia syndrome. Last evaluated: 2022-03-23. Review status: criteria provided, single submitter. Criteria: Invitae Variant Classification Sherloc (09022015). Collection method: clinical testing. Allele origin: germline.
Comment: In summary, the available evidence is currently insufficient to determine the role of this variant in disease. Therefore, it has been classified as a Variant of Uncertain Significance. This sequence change replaces valine, which is neutral and non-polar, with alanine, which is neutral and non-polar, at codon 1667 of the ATM protein (p.Val1667Ala). This variant is not present in population databases (gnomAD no frequency). This variant has not been reported in the literature in individuals affected with ATM-related conditions. Advanced modeling of protein sequence and biophysical properties (such as structural, functional, and spatial information, amino acid conservation, physicochemical variation, residue mobility, and thermodynamic stability) performed at Invitae indicates that this missense variant is not expected to disrupt ATM protein function.